The following is an entry in ClinVar:

ClinVar aggregate classification (germline): Uncertain significance (1 of 4 stars; one submission).

Submission:

Mayo Clinic Laboratories, Mayo Clinic
Classification: Uncertain significance. Last evaluated: 2022-03-01. Review status: criteria provided, single submitter. Criteria: ACMG Guidelines, 2015. Collection method: clinical testing. Allele origin: germline. Observed: 1 variant allele.
Comment: PM2

NM_001182.5(ALDH7A1):c.1400T>C (p.Ile467Thr)

Gene: ALDH7A1 (aldehyde dehydrogenase 7 family member A1; minus strand). Cytogenetic location: 5q23.2.
Variant type: single nucleotide variant.
Coding change: c.1400T>C on transcript NM_001182.5 (MANE Select); coding-DNA position 1400, T replaced by C.
Protein change: p.Ile467Thr; replaces isoleucine 467 with threonine.
Molecular consequence: missense variant.
Genome position (GRCh38, 1-based): chr5:126,550,211, A>G on the plus strand (T>C on the coding strand, the complement: ALDH7A1 is on the minus strand). VCF-style: chr5-126550211-A-G. GRCh37 (hg19) VCF-style: chr5-125885903-A-G.
Other names: p.Ile467Thr; c.1316T>C, p.Ile439Thr (NM_001201377.2); c.1208T>C, p.Ile403Thr (NM_001202404.2); short protein forms I403T, I439T, I467T.
Identifiers: ClinVar variation 2682902 (VCV002682902.1), dbSNP rs2480252616, ClinGen allele CA360721407.